The following is an entry in ClinVar:

NM_001009944.3(PKD1):c.6972C>A (p.Thr2324=)

Gene: PKD1 (polycystin 1, transient receptor potential channel interacting; minus strand). Cytogenetic location: 16p13.3.
Variant type: single nucleotide variant.
Coding change: c.6972C>A on transcript NM_001009944.3 (MANE Select); coding-DNA position 6972, C replaced by A.
Protein change: p.Thr2324=; no amino-acid change (threonine 2324 retained).
Molecular consequence: synonymous variant.
Genome position (GRCh38, 1-based): chr16:2,107,976, G>T on the plus strand (C>A on the coding strand, the complement: PKD1 is on the minus strand). VCF-style: chr16-2107976-G-T. GRCh37 (hg19) VCF-style: chr16-2157977-G-T.
Other names: c.6972C>A, p.Thr2324= (NM_000296.4).
Identifiers: ClinVar variation 5000796 (VCV005000796.1).
Genomic context (GRCh38, chr16:2,107,976, plus strand): 5'-CTTCCACACGGTCAGGCTGAAGGTGTACTCCACGCCAGCCGCCAGCCGCTCCCGTGGAAT[G>T]GTGACCGTGCTGCTCCCGCGGGGCCCAAAGTTCAGCGCACACCCGCCAGCCTCCCTCTGC-3'
Protein context (NP_001009944.3, residues 2314-2334): NFGPRGSSTV[Thr2324=]IPRERLAAGV

ClinVar aggregate classification (germline): Likely benign (1 of 4 stars; one submission).

Conditions:
PKD1-related disorder. Also called: PKD1-related condition.

gnomAD v4.1: 6 of 1,548,340 alleles (0.00039%); highest among the groups gnomAD compares: Admixed American, 0.0078%; no homozygotes.

Submission:

PreventionGenetics, part of Exact Sciences
Classification: Likely benign for PKD1-related condition. Last evaluated: 2026-01-18. Review status: criteria provided, single submitter. Criteria: ACMG Guidelines, 2015. Collection method: clinical testing. Allele origin: germline.
Comment: This variant is classified as likely benign based on ACMG/AMP sequence variant interpretation guidelines (Richards et al. 2015 PMID: 25741868, with internal and published modifications).